The following is an entry in ClinVar:

ClinVar aggregate classification (germline): Uncertain significance (1 of 4 stars; one submission).

Conditions:
Spastic paraplegia. Identifiers: MedGen C0037772, HP:0001258.

Submission:

Labcorp Genetics (formerly Invitae), Labcorp
Classification: Uncertain significance for Spastic paraplegia. Last evaluated: 2025-12-18. Review status: criteria provided, single submitter. Criteria: Invitae Variant Classification Sherloc (09022015). Collection method: clinical testing. Allele origin: germline.
Comment: This sequence change replaces leucine, which is neutral and non-polar, with methionine, which is neutral and non-polar, at codon 45 of the L1CAM protein (p.Leu45Met). Information on the frequency of this variant in the gnomAD database is not available, as this variant may be reported differently in the database. This variant has not been reported in the literature in individuals affected with L1CAM-related conditions. ClinVar contains an entry for this variant (Variation ID: 2713267). Experimental studies and prediction algorithms are not available or were not evaluated, and the functional significance of this variant is currently unknown. In summary, the available evidence is currently insufficient to determine the role of this variant in disease. Therefore, it has been classified as a Variant of Uncertain Significance.

NM_001278116.2(L1CAM):c.132_133delinsAA (p.Leu45Met)

Gene: L1CAM (L1 cell adhesion molecule; minus strand). Cytogenetic location: Xq28.
Variant type: Indel.
Coding change: c.132_133delinsAA on transcript NM_001278116.2 (MANE Select); coding-DNA positions 132 to 133, CC replaced by AA.
Protein change: p.Leu45Met; replaces leucine 45 with methionine.
Molecular consequence: missense variant.
Genome position (GRCh38, 1-based): chrX:153,872,656-153,872,657, GG replaced by TT on the plus strand (CC replaced by AA on the coding strand, the reverse complement: L1CAM is on the minus strand). VCF-style: chrX-153872656-GG-TT. GRCh37 (hg19) VCF-style: chrX-153138111-GG-TT.
Other names: c.132_133delinsAA, p.Leu45Met (NM_000425.5, NM_024003.3); c.117_118delinsAA, p.Leu40Met (NM_001143963.2); short protein forms L40M, L45M.
Identifiers: ClinVar variation 2713267 (VCV002713267.2), dbSNP rs2521038795, ClinGen allele CA2697544851.
Genomic context (GRCh38, chrX:153,872,656, plus strand): 5'-CTTCGGGCTTGCCACTGGCCTCACACTTGAGGCTGATGTCATCTGTGGGGAAGACAACCA[GG>TT]CGCCGTGGAGACTGTTCCGTGATGACAGGTGGCTCCATCACTGAAGACAGGGTGGAGAGA-3'
Protein context (NP_001265045.1, residues 35-55): PVITEQSPRR[Leu45Met]VVFPTDDISL